The following is an entry in ClinVar:

ClinVar aggregate classification (germline): Likely pathogenic. Review status: criteria provided, multiple submitters, no conflicts (2 of 4 stars). 2 submissions from 2 submitters: Likely pathogenic (2). Last evaluated 2023-10-23.

Conditions:
Cardiomyopathy (CMYO). Also called: Cardiomyopathies. Identifiers: Orphanet 167848, MedGen C0878544, MONDO:0004994, HP:0001638. Inheritance: Various modes of inheritance.
Arrhythmogenic cardiomyopathy with wooly hair and keratoderma. Also called: PALMOPLANTAR KERATODERMA WITH LEFT VENTRICULAR CARDIOMYOPATHY AND WOOLLY HAIR; Dilated cardiomyopathy with woolly hair and keratoderma; Arrhythmogenic cardiomyopathy with woolly hair and keratoderma; Carvajal syndrome. Identifiers: Orphanet 65282, MedGen C1854063, MONDO:0011581, OMIM 605676.

Submissions (2):

All of Us Research Program, National Institutes of Health
Classification: Likely pathogenic for Arrhythmogenic cardiomyopathy with wooly hair and keratoderma. Last evaluated: 2023-10-23. Review status: criteria provided, single submitter. Criteria: ACMG Guidelines, 2015. Collection method: clinical testing. Allele origin: germline. Inheritance: Autosomal dominant inheritance. Observed: 1 variant allele, 1 heterozygote.
Comment: This variant changes 1 nucleotide in exon 9 of the DSP gene and is expected to introduce a premature translation stop signal at codon 380. In addition, splice site prediction tools indicate that this variant may disrupt splicing at intron 9 splice donor site. To our knowledge, protein and RNA functional studies have not been reported for this variant, and its exact molecular consequence is not certain. This variant has been reported in an individual affected with left ventricular non-compaction and dilated cardiomyopathy (PMID: 31397097). This variant has not been identified in the general population by the Genome Aggregation Database (gnomAD). Loss of DSP function is a known mechanism of disease, and this variant is likely to result in the loss of DSP function. Based on the available evidence, this variant is classified as Likely Pathogenic.

This study involves interpretation of variants in research participants for the purpose of population health screening. Participant phenotype was not available at the time of variant classification. Additional details can be found in publication PMID: 35346344, PMCID: PMC8962531

Color Diagnostics, LLC DBA Color Health
Classification: Likely pathogenic for Cardiomyopathy. Last evaluated: 2023-09-06. Review status: criteria provided, single submitter. Criteria: ACMG Guidelines, 2015. Collection method: clinical testing. Allele origin: germline.
Comment: This variant changes 1 nucleotide in exon 9 of the DSP gene and is expected to introduce a premature translation stop signal at codon 380. In addition, splice site prediction tools indicate that this variant may disrupt splicing at intron 9 splice donor site. To our knowledge, protein and RNA functional studies have not been reported for this variant, and its exact molecular consequence is not certain. This variant has been reported in an individual affected with left ventricular non-compaction and dilated cardiomyopathy (PMID: 31397097). This variant has not been identified in the general population by the Genome Aggregation Database (gnomAD). Loss of DSP function is a known mechanism of disease, and this variant is likely to result in the loss of DSP function. Based on the available evidence, this variant is classified as Likely Pathogenic.

Literature cited by the submitters: PubMed 31397097 (cited by All of Us Research Program, National Institutes of Health and Color Diagnostics, LLC DBA Color Health).

NM_004415.4(DSP):c.1138C>T (p.Gln380Ter)

Gene: DSP (desmoplakin; plus strand). Cytogenetic location: 6p24.3.
Variant type: single nucleotide variant.
Coding change: c.1138C>T on transcript NM_004415.4 (MANE Select); coding-DNA position 1138, C replaced by T.
Protein change: p.Gln380Ter; replaces glutamine 380 with a stop codon.
Molecular consequence: nonsense.
Genome position (GRCh38, 1-based): chr6:7,567,447, C>T. VCF-style: chr6-7567447-C-T. GRCh37 (hg19) VCF-style: chr6-7567680-C-T.
Other names: c.1138C>T, p.Gln380Ter (NM_001008844.3, NM_001319034.2, NM_001406591.1); short protein forms Q380*.
Identifiers: ClinVar variation 2775269 (VCV002775269.3), dbSNP rs1758896473, ClinGen allele CA362675827.